The following is an entry in ClinVar:

NM_078471.4(MYO18A):c.970G>A (p.Gly324Ser)

Gene: MYO18A (myosin XVIIIA; minus strand). Cytogenetic location: 17q11.2.
Variant type: single nucleotide variant.
Coding change: c.970G>A on transcript NM_078471.4 (MANE Select); coding-DNA position 970, G replaced by A.
Protein change: p.Gly324Ser; replaces glycine 324 with serine.
Molecular consequence: missense variant.
Genome position (GRCh38, 1-based): chr17:29,165,971, C>T on the plus strand (G>A on the coding strand, the complement: MYO18A is on the minus strand). VCF-style: chr17-29165971-C-T. GRCh37 (hg19) VCF-style: chr17-27492989-C-T.
Other names: c.970G>A, p.Gly324Ser (NM_001346765.2, NM_001346766.2, NM_001346767.2 and 1 more transcripts); short protein forms G324S.
Identifiers: ClinVar variation 3040314 (VCV003040314.2), dbSNP rs200744136, ClinGen allele CA8473452.

ClinVar aggregate classification (germline): Likely benign (0 of 4 stars; one submission).

Conditions:
MYO18A-related disorder. Also called: MYO18A-related condition.

Allele frequency attached by ClinVar (database versions not stated): 1000 Genomes Project 30x 0.00062; 1000 Genomes Project 0.00080; TOPMed 0.00142; ESP Exome Variant Server 0.00147.

Submission:

PreventionGenetics, part of Exact Sciences
Classification: Likely benign for MYO18A-related condition. Last evaluated: 2022-04-28. Review status: no assertion criteria provided. Collection method: clinical testing. Allele origin: germline.
Comment: This variant is classified as likely benign based on ACMG/AMP sequence variant interpretation guidelines (Richards et al. 2015 PMID: 25741868, with internal and published modifications).